The following is an entry in ClinVar:

NM_201384.3(PLEC):c.12517G>A (p.Glu4173Lys)

Gene: PLEC (plectin; minus strand). Cytogenetic location: 8q24.3.
Variant type: single nucleotide variant.
Coding change: c.12517G>A on transcript NM_201384.3 (MANE Select); coding-DNA position 12517, G replaced by A.
Protein change: p.Glu4173Lys; replaces glutamic acid 4173 with lysine.
Molecular consequence: missense variant.
Genome position (GRCh38, 1-based): chr8:143,917,304, C>T on the plus strand (G>A on the coding strand, the complement: PLEC is on the minus strand). VCF-style: chr8-143917304-C-T. GRCh37 (hg19) VCF-style: chr8-144991472-C-T.
Other names: c.12598G>A, p.Glu4200Lys (NM_000445.5); c.12475G>A, p.Glu4159Lys (NM_201378.4); c.12451G>A, p.Glu4151Lys (NM_201379.3); c.12928G>A, p.Glu4310Lys (NM_201380.4); c.12421G>A, p.Glu4141Lys (NM_201381.3); c.12517G>A, p.Glu4173Lys (NM_201382.4); c.12529G>A, p.Glu4177Lys (NM_201383.3); short protein forms E4141K, E4151K, E4159K, E4173K, E4177K, E4200K, E4310K.
Identifiers: ClinVar variation 1063337 (VCV001063337.11), dbSNP rs868975952, ClinGen allele CA372481188.

ClinVar aggregate classification (germline): Uncertain significance. Review status: criteria provided, multiple submitters, no conflicts (2 of 4 stars). 2 submissions from 2 submitters: Uncertain significance (2). Last evaluated 2025-09-15.

Conditions:
Epidermolysis bullosa simplex with nail dystrophy (EBS5D). Identifiers: MedGen C4225309, MONDO:0014661, OMIM 616487.
Epidermolysis bullosa simplex 5C, with pyloric atresia (EBS5C). Also called: PLEC-Related Epidermolysis Bullosa with Pyloric Atresia; Epidermolysis bullosa simplex with pyloric atresia; PLEC1-Related Epidermolysis Bullosa with Pyloric Atresia. Identifiers: Orphanet 158684, MedGen C2677349, MONDO:0012807, OMIM 612138.
Epidermolysis bullosa simplex 5B, with muscular dystrophy (EBS5B). Also called: Epidermolysis bullosa simplex with muscular dystrophy; EPIDERMOLYSIS BULLOSA SIMPLEX AND LIMB-GIRDLE MUSCULAR DYSTROPHY. Identifiers: Orphanet 257, MedGen C2931072, MONDO:0009181, OMIM 226670.
Epidermolysis bullosa simplex, Ogna type (EBS5A). Also called: Pidermolysis bullosa simplex 5A, Ogna type; EPIDERMOLYSIS BULLOSA SIMPLEX 5A, OGNA TYPE. Identifiers: Orphanet 79401, MedGen C0432317, MONDO:0007555, OMIM 131950.
Autosomal recessive limb-girdle muscular dystrophy type 2Q (LGMDR17). Also called: MUSCULAR DYSTROPHY, LIMB-GIRDLE, AUTOSOMAL RECESSIVE 17. Identifiers: Orphanet 254361, MedGen C3150989, MONDO:0013390, OMIM 613723.

Allele frequency attached by ClinVar (database versions not stated): gnomAD exomes below 0.00001; gnomAD 0.00001; TOPMed 0.00003.

Submissions (2):

Labcorp Genetics (formerly Invitae), Labcorp
Classification: Uncertain significance for Autosomal recessive limb-girdle muscular dystrophy type 2Q; Epidermolysis bullosa simplex, Ogna type; Epidermolysis bullosa simplex with nail dystrophy; Epidermolysis bullosa simplex 5C, with pyloric atresia; Epidermolysis bullosa simplex 5B, with muscular dystrophy. Last evaluated: 2025-09-15. Review status: criteria provided, single submitter. Criteria: Invitae Variant Classification Sherloc (09022015). Collection method: clinical testing. Allele origin: germline.
Comment: This sequence change replaces glutamic acid, which is acidic and polar, with lysine, which is basic and polar, at codon 4200 of the PLEC protein (p.Glu4200Lys). This variant is not present in population databases (gnomAD no frequency). This variant has not been reported in the literature in individuals affected with PLEC-related conditions. ClinVar contains an entry for this variant (Variation ID: 1063337). Invitae Evidence Modeling of protein sequence and biophysical properties (such as structural, functional, and spatial information, amino acid conservation, physicochemical variation, residue mobility, and thermodynamic stability) has been performed for this missense variant. However, the output from this modeling did not meet the statistical confidence thresholds required to predict the impact of this variant on PLEC protein function. In summary, the available evidence is currently insufficient to determine the role of this variant in disease. Therefore, it has been classified as a Variant of Uncertain Significance.

Revvity Omics, Revvity
Classification: Uncertain significance. Last evaluated: 2019-10-01. Review status: criteria provided, single submitter. Criteria: ACMG Guidelines, 2015. Collection method: clinical testing. Allele origin: germline.